The following is an entry in ClinVar:

NM_000260.4(MYO7A):c.2036T>C (p.Val679Ala)

Gene: MYO7A (myosin VIIA; plus strand). Cytogenetic location: 11q13.5.
Variant type: single nucleotide variant.
Coding change: c.2036T>C on transcript NM_000260.4 (MANE Select); coding-DNA position 2036, T replaced by C.
Protein change: p.Val679Ala; replaces valine 679 with alanine.
Molecular consequence: missense variant.
Genome position (GRCh38, 1-based): chr11:77,174,856, T>C. VCF-style: chr11-77174856-T-C. GRCh37 (hg19) VCF-style: chr11-76885902-T-C.
Other names: c.2036T>C, p.Val679Ala (NM_001127180.2); c.2003T>C, p.Val668Ala (NM_001369365.1); c.2036T>C (NM_000260.3); short protein forms V668A, V679A.
Identifiers: ClinVar variation 1427752 (VCV001427752.9), dbSNP rs183439926, ClinGen allele CA6197672.
Genomic context (GRCh38, chr11:77,174,856, plus strand): 5'-CAGGAATGATGGAGACCATCCGAATCCGCCGAGCTGGCTACCCCATCCGCTACAGCTTCG[T>C]AGAGTTTGTGGAGCGGTACCGTGTGCTGCTGCCAGGTGTGAAGCCGGCCTACAAGCAGGT-3'
Protein context (NP_000251.3, residues 669-689): RAGYPIRYSF[Val679Ala]EFVERYRVLL

ClinVar aggregate classification (germline): Uncertain significance. Review status: criteria provided, multiple submitters, no conflicts (2 of 4 stars). 3 submissions from 3 submitters: Uncertain significance (3). Last evaluated 2025-12-22.

Conditions:
Inborn genetic diseases. Identifiers: MedGen C0950123, MeSH D030342.
MYO7A-related disorder. Also called: MYO7A-related disorders.

Allele frequency attached by ClinVar (database versions not stated): TOPMed below 0.00001; gnomAD 0.00001; gnomAD exomes 0.00002 and 0.00004; ExAC 0.00004; 1000 Genomes Project 30x 0.00016; 1000 Genomes Project 0.00020.
gnomAD v4.1: 11 of 1,613,600 alleles (0.00068%); highest among the groups gnomAD compares: Admixed American, 0.018%; no homozygotes.

Submissions (3):

PreventionGenetics, part of Exact Sciences
Classification: Uncertain significance for MYO7A-related condition. Last evaluated: 2025-12-22. Review status: criteria provided, single submitter. Criteria: ACMG Guidelines, 2015. Collection method: clinical testing. Allele origin: germline.
Comment: The MYO7A c.2036T>C variant is predicted to result in the amino acid substitution p.Val679Ala. To our knowledge, this variant has not been reported in the literature. This variant is reported in 0.026% of alleles in individuals of Latino descent in gnomAD. At this time, the clinical significance of this variant is uncertain due to the absence of conclusive functional and genetic evidence.

Ambry Genetics
Classification: Uncertain significance for Inborn genetic diseases. Last evaluated: 2025-06-12. Review status: criteria provided, single submitter. Criteria: Ambry Variant Classification Scheme 2023. Collection method: clinical testing. Allele origin: germline.

Labcorp Genetics (formerly Invitae), Labcorp
Classification: Uncertain significance. Last evaluated: 2024-07-22. Review status: criteria provided, single submitter. Criteria: Invitae Variant Classification Sherloc (09022015). Collection method: clinical testing. Allele origin: germline.
Comment: This sequence change replaces valine, which is neutral and non-polar, with alanine, which is neutral and non-polar, at codon 679 of the MYO7A protein (p.Val679Ala). This variant is present in population databases (rs183439926, gnomAD 0.03%). This variant has not been reported in the literature in individuals affected with MYO7A-related conditions. ClinVar contains an entry for this variant (Variation ID: 1427752). Advanced modeling of protein sequence and biophysical properties (such as structural, functional, and spatial information, amino acid conservation, physicochemical variation, residue mobility, and thermodynamic stability) performed at Invitae indicates that this missense variant is not expected to disrupt MYO7A protein function with a negative predictive value of 95%. In summary, the available evidence is currently insufficient to determine the role of this variant in disease. Therefore, it has been classified as a Variant of Uncertain Significance.